The following is an entry in ClinVar:

NM_000404.4(GLB1):c.1347+1G>A

Gene: GLB1 (galactosidase beta 1; minus strand). Cytogenetic location: 3p22.3.
Variant type: single nucleotide variant.
Coding change: c.1347+1G>A on transcript NM_000404.4 (MANE Select); the canonical splice donor site of the intron after coding-DNA position 1347, G replaced by A.
Molecular consequence: splice donor variant.
Genome position (GRCh38, 1-based): chr3:33,018,447, C>T on the plus strand (G>A on the coding strand, the complement: GLB1 is on the minus strand). VCF-style: chr3-33018447-C-T. GRCh37 (hg19) VCF-style: chr3-33059939-C-T.
Other names: c.1347+1G>A (NM_001393580.1); c.954+1G>A (NM_001135602.3); c.1491+1G>A (NM_001317040.2); c.1257+1G>A (NM_001079811.3).
Identifiers: ClinVar variation 2572285 (VCV002572285.1), dbSNP rs757256051, ClinGen allele CA2299421.

ClinVar aggregate classification (germline): Likely pathogenic (1 of 4 stars; one submission).

Conditions:
GLB1-related disorder. Also called: GLB1-related disorders. Identifiers: MedGen CN377807.

Allele frequency attached by ClinVar (database versions not stated): ExAC 0.00001.
gnomAD v4.1: 2 of 1,613,946 alleles (0.00012%); highest among the groups gnomAD compares: African/African-American, 0.0013%; no homozygotes.

Submission:

Greenwood Genetic Center Diagnostic Laboratories, Greenwood Genetic Center
Classification: Likely pathogenic for GLB1-related disorder. Last evaluated: 2023-04-07. Review status: criteria provided, single submitter. Criteria: ACMG Guidelines, 2015. Collection method: clinical testing. Allele origin: germline. Affected: yes.
Comment: PM2, PP3_Strong